The following is an entry in ClinVar:

ClinVar aggregate classification (germline): Pathogenic (1 of 4 stars; one submission).

Submission:

Labcorp Genetics (formerly Invitae), Labcorp
Classification: Pathogenic. Last evaluated: 2022-01-26. Review status: criteria provided, single submitter. Criteria: Invitae Variant Classification Sherloc (09022015). Collection method: clinical testing. Allele origin: germline.
Comment: For these reasons, this variant has been classified as Pathogenic. This variant has not been reported in the literature in individuals affected with LOXHD1-related conditions. This variant is a gross deletion of the genomic region encompassing exon(s) 18-20 of the LOXHD1 gene. This deletion is out-of-frame, and is expected to create a premature termination codon and result in an absent or disrupted protein product. Loss-of-function variants in LOXHD1 are known to be pathogenic (PMID: 19732867, 21465660, 25792669).

Literature cited by the submitters: PubMed 19732867; PubMed 21465660; PubMed 25792669.

NC_000018.9:g.(?_44139401)_(44143198_?)del

Gene: LOXHD1 (lipoxygenase homology PLAT domains 1; minus strand). Cytogenetic location: 18q21.1.
Variant type: Deletion.
Identifiers: ClinVar variation 2427296 (VCV002427296.4).